The following is an entry in ClinVar:

ClinVar aggregate classification (germline): Uncertain significance (1 of 4 stars; one submission).

Submission:

GeneDx
Classification: Uncertain significance. Last evaluated: 2025-05-15. Review status: criteria provided, single submitter. Criteria: GeneDx Variant Classification Process June 2021. Collection method: clinical testing. Allele origin: germline. Affected: yes.
Comment: Not observed at significant frequency in large population cohorts (gnomAD); In silico analysis supports that this missense variant has a deleterious effect on protein structure/function; Has not been previously published as pathogenic or benign to our knowledge.

NM_016284.5(CNOT1):c.6029C>T (p.Thr2010Ile)

Gene: CNOT1 (CCR4-NOT transcription complex subunit 1; minus strand). Cytogenetic location: 16q21.
Variant type: single nucleotide variant.
Coding change: c.6029C>T on transcript NM_016284.5 (MANE Select); coding-DNA position 6029, C replaced by T.
Protein change: p.Thr2010Ile; replaces threonine 2010 with isoleucine.
Molecular consequence: missense variant. On other transcripts: non-coding transcript variant (1).
Genome position (GRCh38, 1-based): chr16:58,532,262, G>A on the plus strand (C>T on the coding strand, the complement: CNOT1 is on the minus strand). VCF-style: chr16-58532262-G-A. GRCh37 (hg19) VCF-style: chr16-58566166-G-A.
Other names: c.6014C>T, p.Thr2005Ile (NM_001265612.2); short protein forms T2005I, T2010I.
Identifiers: ClinVar variation 4529559 (VCV004529559.1).
Genomic context (GRCh38, chr16:58,532,262, plus strand): 5'-TTAACACAAAATCGCAAACACAATACTCACCAGAAAGCTGTAAGTGTCTGGAAATTAATG[G>A]TTTCCAACACATGCTCAGGTGCATTGAGTTCCAAGAGAAGCATGATAAAAATTCGATGGT-3'
Protein context (NP_057368.3, residues 2000-2020): ELNAPEHVLE[Thr2010Ile]INFQTLTAFC